The following is an entry in ClinVar:

ClinVar aggregate classification (germline): Conflicting classifications of pathogenicity. Review status: criteria provided, conflicting classifications (1 of 4 stars). 11 submissions from 10 submitters: Uncertain significance (7); Benign (2). 2 of the submissions do not count toward it. Last evaluated 2026-02-24.

Conditions:
COL11A2-related disorder. Also called: COL11A2-related condition; COL11A2-related disorders.
Otospondylomegaepiphyseal dysplasia, autosomal dominant (OSMEDA). Also called: COL11A2-Related Stickler Syndrome; Stickler syndrome, type 3; Pierre Robin syndrome with fetal chondrodysplasia. Identifiers: Orphanet 166100, Orphanet 3450, MedGen C1848488, MONDO:0008490, OMIM 184840.
Otospondylomegaepiphyseal dysplasia, autosomal recessive (OSMEDB). Also called: Insley-Astley syndrome; CHONDRODYSTROPHY WITH SENSORINEURAL DEAFNESS. Identifiers: Orphanet 1427, MedGen CN034493, MONDO:0044206, OMIM 215150.
Fibrochondrogenesis 2 (FBCG2). Identifiers: Orphanet 2021, MedGen C3281128, MONDO:0013795, OMIM 614524.
Autosomal dominant nonsyndromic hearing loss 13. Identifiers: Orphanet 90635, MedGen C1866095, MONDO:0011159, OMIM 601868.
Autosomal recessive nonsyndromic hearing loss 53. Identifiers: Orphanet 90636, MedGen C1864746, MONDO:0012333, OMIM 609706.

Allele frequency attached by ClinVar (database versions not stated): ExAC 0.00009; TOPMed 0.00009; gnomAD 0.00012 and 0.00013; gnomAD exomes 0.00015.
gnomAD v4.1: 145 of 1,613,518 alleles (0.009%); highest among the groups gnomAD compares: Middle Eastern, 0.016%; no homozygotes.

Submissions (11):

Women's Health and Genetics/Laboratory Corporation of America, LabCorp
Classification: Uncertain significance. Last evaluated: 2026-02-24. Review status: criteria provided, single submitter. Criteria: LabCorp Variant Classification Summary - May 2015. Collection method: clinical testing. Allele origin: germline.
Comment: Variant summary: COL11A2 c.3932A>G (p.Asn1311Ser) results in a conservative amino acid change in the encoded protein sequence. Algorithms developed to predict the effect of missense changes on protein structure and function are either unavailable or do not agree on the potential impact of this missense change. The variant allele was found at a frequency of 0.00015 in 247394 control chromosomes. This frequency is not significantly higher than estimated for disease-causing variants in COL11A2, allowing no conclusion about variant significance. c.3932A>G has been reported in at least an individual affected with hearing loss, developmental and speech delay (Sheppard_2018). This report does not provide unequivocal conclusions about association of the variant with COL11A2-Related Disorders. To our knowledge, no experimental evidence demonstrating an impact on protein function has been reported. The following publication has been ascertained in the context of this evaluation (PMID: 29907799). ClinVar contains an entry for this variant (Variation ID: 178812). Based on the evidence outlined above, the variant was classified as uncertain significance.

Labcorp Genetics (formerly Invitae), Labcorp
Classification: Benign. Last evaluated: 2026-02-01. Review status: criteria provided, single submitter. Criteria: Invitae Variant Classification Sherloc (09022015). Collection method: clinical testing. Allele origin: germline.

ARUP Laboratories, Molecular Genetics and Genomics, ARUP Laboratories
Classification: Uncertain significance. Last evaluated: 2024-11-25. Review status: criteria provided, single submitter. Criteria: ARUP Molecular Germline Variant Investigation Process 2024. Collection method: clinical testing. Allele origin: germline.
Comment: The COL11A2 c.3932A>G; p.Asn1311Ser variant (rs727504460), to our knowledge, is not reported in the medical literature but is reported in ClinVar (Variation ID: 178812). This variant is found in the Ashkenazi Jewish population with an allele frequency of 0.25% (26/10,272 alleles) in the Genome Aggregation Database (v2.1.1). Computational analyses are uncertain whether this variant is neutral or deleterious (REVEL: 0.269). Due to limited information, the clinical significance of this variant is uncertain at this time.

Blueprint Genetics
Classification: Benign. Last evaluated: 2024-10-25. Review status: criteria provided, single submitter. Criteria: ACMG Guidelines, 2015. Collection method: clinical testing. Allele origin: germline.

GeneDx
Classification: Uncertain significance. Last evaluated: 2024-04-16. Review status: criteria provided, single submitter. Criteria: GeneDx Variant Classification Process June 2021. Collection method: clinical testing. Allele origin: germline. Affected: yes.
Comment: Reported as a variant of uncertain significance in an individual with bilateral sensorineural hearing loss, developmental delay, and speech delay; however this individual also harbored variants of uncertain significance in the KCNQ4, MYO3A, and TJP2 genes (PMID: 29907799); In silico analysis supports that this missense variant does not alter protein structure/function; This variant is associated with the following publications: (PMID: 29907799)

Department of Pathology and Laboratory Medicine, Sinai Health System
Classification: Uncertain significance for Otospondylomegaepiphyseal dysplasia, autosomal dominant; Otospondylomegaepiphyseal dysplasia, autosomal recessive; Autosomal dominant nonsyndromic hearing loss 13; Autosomal recessive nonsyndromic hearing loss 53; Fibrochondrogenesis 2. Last evaluated: 2021-02-19. Review status: criteria provided, single submitter. Criteria: ACMG Guidelines, 2015. Collection method: research. Allele origin: germline.

Illumina Laboratory Services, Illumina
Classification: Uncertain significance for Fibrochondrogenesis 2. Last evaluated: 2018-01-13. Review status: criteria provided, single submitter. Criteria: ICSL Variant Classification Criteria 13 December 2019. Collection method: clinical testing. Allele origin: germline.

Illumina Laboratory Services, Illumina
Classification: Uncertain significance for Otospondylomegaepiphyseal dysplasia, autosomal recessive. Last evaluated: 2018-01-13. Review status: criteria provided, single submitter. Criteria: ICSL Variant Classification Criteria 13 December 2019. Collection method: clinical testing. Allele origin: germline.

Laboratory for Molecular Medicine, Mass General Brigham Personalized Medicine
Classification: Uncertain significance. Last evaluated: 2013-04-08. Review status: criteria provided, single submitter. Criteria: LMM Criteria. Collection method: clinical testing. Allele origin: germline. Observed: 1 variant allele.
Comment: The Asn1311Ser variant in COL11A2 has not been reported in affected individuals or in large population studies. Computational analyses (biochemical amino acid p roperties, conservation, AlignGVGD, PolyPhen2, and SIFT) do not provide strong s upport for or against an impact to the protein. In summary, additional data is n eeded to determine the clinical significance of this variant.

PreventionGenetics, part of Exact Sciences
Classification: Likely benign for COL11A2-related condition. Last evaluated: 2024-02-16. Review status: no assertion criteria provided. Collection method: clinical testing. Allele origin: germline. Not counted in ClinVar's aggregate classification.
Comment: This variant is classified as likely benign based on ACMG/AMP sequence variant interpretation guidelines (Richards et al. 2015 PMID: 25741868, with internal and published modifications).

Division of Human Genetics, Children's Hospital of Philadelphia
Classification: Uncertain significance for Autosomal dominant nonsyndromic hearing loss 13. Last evaluated: 2016-02-02. Review status: no assertion criteria provided. Collection method: research. Allele origin: maternal. Affected: yes. Study: CSER-PediSeq. Not counted in ClinVar's aggregate classification.

Literature cited by the submitters: PubMed 29907799 (cited by Women's Health and Genetics/Laboratory Corporation of America, LabCorp).

NM_080680.3(COL11A2):c.3932A>G (p.Asn1311Ser)

Gene: COL11A2 (collagen type XI alpha 2 chain; minus strand). Cytogenetic location: 6p21.32.
Variant type: single nucleotide variant.
Coding change: c.3932A>G on transcript NM_080680.3 (MANE Select); coding-DNA position 3932, A replaced by G.
Protein change: p.Asn1311Ser; replaces asparagine 1311 with serine.
Molecular consequence: missense variant.
Genome position (GRCh38, 1-based): chr6:33,168,547, T>C on the plus strand (A>G on the coding strand, the complement: COL11A2 is on the minus strand). VCF-style: chr6-33168547-T-C. GRCh37 (hg19) VCF-style: chr6-33136324-T-C.
Other names: c.3611A>G, p.Asn1204Ser (NM_080679.3); c.3674A>G, p.Asn1225Ser (NM_080681.3); short protein forms N1311S, N1204S, N1225S.
Identifiers: ClinVar variation 178812 (VCV000178812.27), dbSNP rs727504460, ClinGen allele CA183082.